The following is an entry in ClinVar:

NM_001386393.1(PANK2):c.176_177delinsCT (p.Ser59Thr)

Genes: PANK2 (pantothenate kinase 2; plus strand), LOC130065345 (ATAC-STARR-seq lymphoblastoid silent region 12635; plus strand). Cytogenetic location: 20p13.
Variant type: Indel.
Coding change: c.176_177delinsCT on transcript NM_001386393.1 (MANE Select); coding-DNA positions 176 to 177, GC replaced by CT.
Protein change: p.Ser59Thr; replaces serine 59 with threonine.
Molecular consequence: missense variant. On other transcripts: 5 prime UTR variant (1), non-coding transcript variant (1), intron variant (1).
Genome position (GRCh38, 1-based): chr20:3,889,606-3,889,607, GC replaced by CT. VCF-style: chr20-3889606-GC-CT. GRCh37 (hg19) VCF-style: chr20-3870253-GC-CT.
Other names: c.-536_-535delinsCT (NM_001324191.2); c.506_507delinsCT, p.Ser169Thr (NM_001324192.1, NM_153638.4); c.-246+702_-246+703delinsCT (NM_024960.6); short protein forms S169T, S59T.
Identifiers: ClinVar variation 596781 (VCV000596781.14), dbSNP rs1568550594, ClinGen allele CA913190450.

ClinVar aggregate classification (germline): Uncertain significance. Review status: criteria provided, multiple submitters, no conflicts (2 of 4 stars). 5 submissions from 5 submitters: Uncertain significance (5). Last evaluated 2025-03-10.

Conditions:
Pigmentary pallidal degeneration (NBIA1). Also called: PKAN NEUROAXONAL DYSTROPHY, JUVENILE-ONSET; Neurodegeneration with brain iron accumulation 1; Pantothenate Kinase-Associated Neurodegeneration; Neuroaxonal dystrophy, late infantile; Hallervorden-Spatz disease; HARP SYNDROME. Identifiers: Orphanet 157850, MedGen C0018523, MONDO:0009319, OMIM 234200.

Submissions (5):

Mayo Clinic Laboratories, Mayo Clinic
Classification: Uncertain significance. Last evaluated: 2025-03-10. Review status: criteria provided, single submitter. Criteria: ACMG Guidelines, 2015. Collection method: clinical testing. Allele origin: germline. Observed: 1 variant allele.
Comment: PM2_supporting

Greenwood Genetic Center Diagnostic Laboratories, Greenwood Genetic Center
Classification: Uncertain significance. Last evaluated: 2023-08-30. Review status: criteria provided, single submitter. Criteria: ACMG Guidelines, 2015. Collection method: clinical testing. Allele origin: germline. Affected: yes.
Comment: PM2

Labcorp Genetics (formerly Invitae), Labcorp
Classification: Uncertain significance for Pigmentary pallidal degeneration. Last evaluated: 2022-07-12. Review status: criteria provided, single submitter. Criteria: Invitae Variant Classification Sherloc (09022015). Collection method: clinical testing. Allele origin: germline.
Comment: This sequence change replaces serine, which is neutral and polar, with threonine, which is neutral and polar, at codon 169 of the PANK2 protein (p.Ser169Thr). This variant is present in population databases (no rsID available, gnomAD 0.9%). This variant has not been reported in the literature in individuals affected with PANK2-related conditions. ClinVar contains an entry for this variant (Variation ID: 596781). Algorithms developed to predict the effect of missense changes on protein structure and function are either unavailable or do not agree on the potential impact of this missense change (SIFT: "Not Available"; PolyPhen-2: "Benign"; Align-GVGD: "Not Available"). In summary, the available evidence is currently insufficient to determine the role of this variant in disease. Therefore, it has been classified as a Variant of Uncertain Significance.

Athena Diagnostics
Classification: Uncertain significance. Last evaluated: 2019-06-04. Review status: criteria provided, single submitter. Criteria: Athena Diagnostics Criteria. Collection method: clinical testing. Allele origin: germline.

Eurofins Ntd Llc (ga)
Classification: Uncertain significance. Last evaluated: 2018-04-12. Review status: criteria provided, single submitter. Criteria: EGL ClinVar v180209 classification definitions. Collection method: clinical testing. Allele origin: germline. Observed: 1 variant allele, 1 heterozygote.